The following is an entry in ClinVar:

ClinVar aggregate classification (germline): Likely benign. Review status: criteria provided, multiple submitters, no conflicts (2 of 4 stars). 2 submissions from 2 submitters: Likely benign (2). Last evaluated 2018-06-14.

Allele frequency attached by ClinVar (database versions not stated): 1000 Genomes Project 0.00539; 1000 Genomes Project 30x 0.00547; TOPMed 0.00888; gnomAD 0.01304 and 0.01349.
gnomAD v4.1: 1,969 of 152,160 alleles (1.3%); highest among the groups gnomAD compares: Non-Finnish European, 1.8%; 33 homozygotes.

Submissions (2):

GeneDx
Classification: Likely benign. Last evaluated: 2018-06-14. Review status: criteria provided, single submitter. Criteria: GeneDx Variant Classification (06012015). Collection method: clinical testing. Allele origin: germline. Affected: yes.
Comment: This variant is considered likely benign or benign based on one or more of the following criteria: it is a conservative change, it occurs at a poorly conserved position in the protein, it is predicted to be benign by multiple in silico algorithms, and/or has population frequency not consistent with disease.

Breakthrough Genomics
Classification: Likely benign. Review status: criteria provided, single submitter. Criteria: ACMG Guidelines, 2015. Collection method: not provided. Allele origin: germline. Inheritance: Autosomal recessive inheritance. Affected: yes.

NM_030962.4(SBF2):c.2100+204C>T

Genes: SBF2 (SET binding factor 2; minus strand), LOC101928008 (uncharacterized LOC101928008; plus strand). Cytogenetic location: 11p15.4.
Variant type: single nucleotide variant.
Coding change: c.2100+204C>T on transcript NM_030962.4 (MANE Select); 204 bases into the intron after coding-DNA position 2100, C replaced by T.
Molecular consequence: intron variant.
Genome position (GRCh38, 1-based): chr11:9,858,022, G>A on the plus strand (C>T on the coding strand, the complement: SBF2 is on the minus strand). VCF-style: chr11-9858022-G-A. GRCh37 (hg19) VCF-style: chr11-9879569-G-A.
Other names: c.1971+204C>T (NM_001386342.1); c.2100+204C>T (NM_001386339.1).
Identifiers: ClinVar variation 672842 (VCV000672842.2), dbSNP rs147460615, ClinGen allele CA217622088.